The following is an entry in ClinVar:

ClinVar aggregate classification (germline): Pathogenic (1 of 4 stars; one submission).

Submission:

Labcorp Genetics (formerly Invitae), Labcorp
Classification: Pathogenic. Last evaluated: 2024-12-31. Review status: criteria provided, single submitter. Criteria: Invitae Variant Classification Sherloc (09022015). Collection method: clinical testing. Allele origin: germline.
Comment: This sequence change creates a premature translational stop signal (p.Thr4944Asnfs*11) in the ADGRV1 gene. It is expected to result in an absent or disrupted protein product. Loss-of-function variants in ADGRV1 are known to be pathogenic (PMID: 19357117, 22135276, 22147658, 26226137, 30718709, 31047384, 32467589). This variant is not present in population databases (gnomAD no frequency). This variant has not been reported in the literature in individuals affected with ADGRV1-related conditions. For these reasons, this variant has been classified as Pathogenic.

Literature cited by the submitters: PubMed 19357117; PubMed 22135276; PubMed 22147658; PubMed 26226137; PubMed 30718709; PubMed 31047384; PubMed 32467589.

NM_032119.4(ADGRV1):c.14828dup (p.Thr4944fs)

Gene: ADGRV1 (adhesion G protein-coupled receptor V1; plus strand). Cytogenetic location: 5q14.3.
Variant type: Duplication.
Coding change: c.14828dup on transcript NM_032119.4 (MANE Select); coding-DNA position 14828, one base duplicated (C; older notation c.14828dupC).
Protein change: p.Thr4944fs; shifts the reading frame from threonine 4944.
Molecular consequence: frameshift variant. On other transcripts: non-coding transcript variant (1).
Genome position (GRCh38, 1-based): chr5:90,805,450, C duplicated; the last of 4 consecutive C bases (chr5:90,805,447-90,805,450); duplicating any one gives the same sequence. VCF-style (leftmost placement, unchanged base first): chr5-90805446-A-AC. GRCh37 (hg19) VCF-style: chr5-90101263-A-AC.
Other names: short protein forms T4944fs.
Identifiers: ClinVar variation 3680408 (VCV003680408.2).
Genomic context (GRCh38, chr5:90,805,446, plus strand): 5'-TGGACCACTGGATATGCTCCTGGGTTAGAAATTCCTGAATTCATTGTTGTTGGCAACATG[A>AC]CCCCAACACTGGGTGAGTTGTAGTTTTTCTAAGATGAGTCCTGTAGAATATTGGAAGGAT-3'